The following is an entry in ClinVar:

ClinVar aggregate classification (germline): Pathogenic (1 of 4 stars; one submission).

Conditions:
Meier-Gorlin syndrome (MGORS1). Identifiers: Orphanet 2554, MedGen C1868684, MONDO:0016817. Disease mechanism: gain of function.

Allele frequency attached by ClinVar (database versions not stated): gnomAD exomes below 0.00001; TOPMed below 0.00001; ExAC 0.00001; gnomAD 0.00001.
gnomAD v4.1: 9 of 1,614,026 alleles (0.00056%); highest among the groups gnomAD compares: Non-Finnish European, 0.00068%; no homozygotes.

Submission:

Bicknell laboratory, University of Otago
Classification: Pathogenic for Meier-Gorlin syndrome. Review status: criteria provided, single submitter. Criteria: ACMG Guidelines, 2015. Collection method: research. Allele origin: inherited. Affected: yes.
Comment: Occurred as compound het with c.415C>T

Literature cited by the submitters: PubMed 33654309.

NM_005916.5(MCM7):c.1616A>G (p.Tyr539Cys)

Gene: MCM7 (minichromosome maintenance complex component 7; minus strand). Cytogenetic location: 7q22.1.
Variant type: single nucleotide variant.
Coding change: c.1616A>G on transcript NM_005916.5 (MANE Select); coding-DNA position 1616, A replaced by G.
Protein change: p.Tyr539Cys; replaces tyrosine 539 with cysteine.
Molecular consequence: missense variant.
Genome position (GRCh38, 1-based): chr7:100,095,450, T>C on the plus strand (A>G on the coding strand, the complement: MCM7 is on the minus strand). VCF-style: chr7-100095450-T-C. GRCh37 (hg19) VCF-style: chr7-99693073-T-C.
Other names: c.1088A>G, p.Tyr363Cys (NM_001278595.2, NM_182776.3); short protein forms Y363C, Y539C.
Identifiers: ClinVar variation 1173058 (VCV001173058.2), dbSNP rs778583017, ClinGen allele CA4373579.